The following is an entry in ClinVar:

ClinVar aggregate classification (germline): Pathogenic (1 of 4 stars; one submission).

Conditions:
Xeroderma pigmentosum (XP). Identifiers: Orphanet 910, MedGen C0043346, MONDO:0019600.

gnomAD v4.1: 3 of 148,776 alleles (0.002%); highest among the groups gnomAD compares: East Asian, 0.061%; no homozygotes.

Submission:

Women's Health and Genetics/Laboratory Corporation of America, LabCorp
Classification: Pathogenic for Xeroderma pigmentosum. Last evaluated: 2025-09-08. Review status: criteria provided, single submitter. Criteria: LabCorp Variant Classification Summary - May 2015. Collection method: clinical testing. Allele origin: germline.
Comment: Variant summary: ERCC4 c.207+196T>A is located at a position not widely known to affect splicing. Several computational tools predict a significant impact on normal splicing: Four predict the variant abolishes a cryptic 5' donor site. One predict the variant creates a 5' donor site. At least one publication reports experimental evidence that this variant affects mRNA splicing (Senju_2023). The variant allele was found at a frequency of 3.2e-05 in 30934 control chromosomes. c.207+196T>A has been observed in multiple homozygous and compound heterozygous individuals affected with Xeroderma Pigmentosum. These data indicate that the variant is very likely to be associated with disease. The following publication has been ascertained in the context of this evaluation (PMID: 37364129). No submitters have cited clinical-significance assessments for this variant to ClinVar. Based on the evidence outlined above, the variant was classified as pathogenic.

Literature cited by the submitters: PubMed 37364129.

NM_005236.3(ERCC4):c.207+196T>A

Genes: ERCC4 (ERCC excision repair 4, endonuclease catalytic subunit; plus strand), LOC130058544 (ATAC-STARR-seq lymphoblastoid active region 10487; plus strand). Cytogenetic location: 16p13.12.
Variant type: single nucleotide variant.
Coding change: c.207+196T>A on transcript NM_005236.3 (MANE Select); 196 bases into the intron after coding-DNA position 207, T replaced by A.
Molecular consequence: intron variant.
Genome position (GRCh38, 1-based): chr16:13,920,568, T>A. VCF-style: chr16-13920568-T-A. GRCh37 (hg19) VCF-style: chr16-14014425-T-A.
Identifiers: ClinVar variation 4535666 (VCV004535666.1).
Genomic context (GRCh38, chr16:13,920,568, plus strand): 5'-AAGGATGGCAGGGGTCCCCAGGGGGATGCAGGTCCCTCACACTGCGGGAACACAGACGTA[T>A]GTAAGGGGTCGCTAGGAGGATACCGGTCGCTCACACCGTGCGGGGACACTGATAAGAATT-3'